The following is an entry in ClinVar:

ClinVar aggregate classification (germline): Likely benign. Review status: criteria provided, multiple submitters, no conflicts (2 of 4 stars). 3 submissions from 3 submitters: Likely benign (2). 1 of the submissions does not count toward it. Last evaluated 2026-04-10.

Conditions:
AEBP1-related disorder. Also called: AEBP1-related condition.

Allele frequency attached by ClinVar (database versions not stated): ExAC 0.00031.
gnomAD v4.1: 45 of 1,533,368 alleles (0.0029%); highest among the groups gnomAD compares: Middle Eastern, 0.19%; no homozygotes.

Submissions (3):

Women's Health and Genetics/Laboratory Corporation of America, LabCorp
Classification: Likely benign. Last evaluated: 2026-04-10. Review status: criteria provided, single submitter. Criteria: LabCorp Variant Classification Summary - May 2015. Collection method: clinical testing. Allele origin: germline.

Labcorp Genetics (formerly Invitae), Labcorp
Classification: Likely benign. Last evaluated: 2025-06-03. Review status: criteria provided, single submitter. Criteria: Invitae Variant Classification Sherloc (09022015). Collection method: clinical testing. Allele origin: germline.

PreventionGenetics, part of Exact Sciences
Classification: Likely benign for AEBP1-related condition. Last evaluated: 2019-09-11. Review status: no assertion criteria provided. Collection method: clinical testing. Allele origin: germline. Not counted in ClinVar's aggregate classification.
Comment: This variant is classified as likely benign based on ACMG/AMP sequence variant interpretation guidelines (Richards et al. 2015 PMID: 25741868, with internal and published modifications).

NM_001129.5(AEBP1):c.595+10G>A

Gene: AEBP1 (AE binding protein 1; plus strand). Cytogenetic location: 7p13.
Variant type: single nucleotide variant.
Coding change: c.595+10G>A on transcript NM_001129.5 (MANE Select); 10 bases into the intron after coding-DNA position 595, G replaced by A.
Molecular consequence: intron variant.
Genome position (GRCh38, 1-based): chr7:44,106,897, G>A. VCF-style: chr7-44106897-G-A. GRCh37 (hg19) VCF-style: chr7-44146496-G-A.
Other names: c.595+10G>A (NM_001129.4).
Identifiers: ClinVar variation 2173817 (VCV002173817.7), dbSNP rs749284044, ClinGen allele CA4237514.